The following is an entry in ClinVar:

NM_001127222.2(CACNA1A):c.2611C>T (p.Pro871Ser)

Gene: CACNA1A (calcium voltage-gated channel subunit alpha1 A; minus strand). Cytogenetic location: 19p13.13.
Variant type: single nucleotide variant.
Coding change: c.2611C>T on transcript NM_001127222.2 (MANE Select); coding-DNA position 2611, C replaced by T.
Protein change: p.Pro871Ser; replaces proline 871 with serine.
Molecular consequence: missense variant.
Genome position (GRCh38, 1-based): chr19:13,299,022, G>A on the plus strand (C>T on the coding strand, the complement: CACNA1A is on the minus strand). VCF-style: chr19-13299022-G-A. GRCh37 (hg19) VCF-style: chr19-13409836-G-A.
Other names: c.2623C>T, p.Pro875Ser (NM_000068.4, NM_023035.3); c.2614C>T, p.Pro872Ser (NM_001127221.2, NM_001174080.2); short protein forms P871S, P872S, P875S.
Identifiers: ClinVar variation 994808 (VCV000994808.4), dbSNP rs780462531, ClinGen allele CA404343076.

ClinVar aggregate classification (germline): Uncertain significance. Review status: criteria provided, multiple submitters, no conflicts (2 of 4 stars). 2 submissions from 2 submitters: Uncertain significance (2). Last evaluated 2023-11-23.

Conditions:
Developmental and epileptic encephalopathy, 42 (DEE42A). Also called: Epileptic encephalopathy, early infantile, 42; DEVELOPMENTAL AND EPILEPTIC ENCEPHALOPATHY 42A; EPILEPTIC ENCEPHALOPATHY, EARLY INFANTILE, 42A. Identifiers: MedGen C4310716, MONDO:0014917, OMIM 617106.
Episodic ataxia type 2 (EA2). Also called: ACETAZOLAMIDE-RESPONSIVE HEREDITARY PAROXYSMAL CEREBELLAR ATAXIA; ATAXIA, EPISODIC, WITH NYSTAGMUS; ATAXIA, FAMILIAL PAROXYSMAL; CEREBELLAR ATAXIA, PAROXYSMAL, ACETAZOLAMIDE-RESPONSIVE; CEREBELLOPATHY, HEREDITARY PAROXYSMAL; EPISODIC ATAXIA, NYSTAGMUS-ASSOCIATED. Identifiers: Orphanet 97, MedGen C1720416, MONDO:0007163, OMIM 108500.

Allele frequency attached by ClinVar (database versions not stated): TOPMed below 0.00001.
gnomAD v4.1: 1 of 1,590,470 alleles (0.000063%); highest among the groups gnomAD compares: Non-Finnish European, 0.000085%; no homozygotes.

Submissions (2):

Labcorp Genetics (formerly Invitae), Labcorp
Classification: Uncertain significance for Developmental and epileptic encephalopathy, 42; Episodic ataxia type 2. Last evaluated: 2023-11-23. Review status: criteria provided, single submitter. Criteria: Invitae Variant Classification Sherloc (09022015). Collection method: clinical testing. Allele origin: germline.
Comment: This sequence change replaces proline, which is neutral and non-polar, with serine, which is neutral and polar, at codon 872 of the CACNA1A protein (p.Pro872Ser). This variant is not present in population databases (gnomAD no frequency). This variant has not been reported in the literature in individuals affected with CACNA1A-related conditions. ClinVar contains an entry for this variant (Variation ID: 994808). Advanced modeling of protein sequence and biophysical properties (such as structural, functional, and spatial information, amino acid conservation, physicochemical variation, residue mobility, and thermodynamic stability) performed at Invitae indicates that this missense variant is not expected to disrupt CACNA1A protein function with a negative predictive value of 95%. In summary, the available evidence is currently insufficient to determine the role of this variant in disease. Therefore, it has been classified as a Variant of Uncertain Significance.

Athena Diagnostics
Classification: Uncertain significance. Last evaluated: 2020-01-20. Review status: criteria provided, single submitter. Criteria: Athena Diagnostics Criteria. Collection method: clinical testing. Allele origin: unknown.